The following is an entry in ClinVar:

ClinVar aggregate classification (germline): Uncertain significance. Review status: criteria provided, multiple submitters, no conflicts (2 of 4 stars). 2 submissions from 2 submitters: Uncertain significance (2). Last evaluated 2026-02-01.

Allele frequency attached by ClinVar (database versions not stated): ExAC 0.00002; gnomAD 0.00003; gnomAD exomes 0.00003; TOPMed 0.00003; 1000 Genomes Project 0.00040; 1000 Genomes Project 30x 0.00047.
gnomAD v4.1: 49 of 1,614,122 alleles (0.003%); highest among the groups gnomAD compares: Middle Eastern, 0.016%; no homozygotes.

Submissions (2):

Labcorp Genetics (formerly Invitae), Labcorp
Classification: Uncertain significance. Last evaluated: 2026-02-01. Review status: criteria provided, single submitter. Criteria: Invitae Variant Classification Sherloc (09022015). Collection method: clinical testing. Allele origin: germline.
Comment: This sequence change replaces glutamic acid, which is acidic and polar, with lysine, which is basic and polar, at codon 888 of the ABCC6 protein (p.Glu888Lys). This variant is present in population databases (rs115167678, gnomAD 0.01%). This variant has not been reported in the literature in individuals affected with ABCC6-related conditions. ClinVar contains an entry for this variant (Variation ID: 2157136). Invitae Evidence Modeling of protein sequence and biophysical properties (such as structural, functional, and spatial information, amino acid conservation, physicochemical variation, residue mobility, and thermodynamic stability) indicates that this missense variant is not expected to disrupt ABCC6 protein function with a negative predictive value of 95%. In summary, the available evidence is currently insufficient to determine the role of this variant in disease. Therefore, it has been classified as a Variant of Uncertain Significance.

Blueprint Genetics
Classification: Uncertain significance. Last evaluated: 2024-07-26. Review status: criteria provided, single submitter. Criteria: ACMG Guidelines, 2015. Collection method: clinical testing. Allele origin: germline.

NM_001171.6(ABCC6):c.2662G>A (p.Glu888Lys)

Gene: ABCC6 (ATP binding cassette subfamily C member 6; minus strand). Cytogenetic location: 16p13.11.
Variant type: single nucleotide variant.
Coding change: c.2662G>A on transcript NM_001171.6 (MANE Select); coding-DNA position 2662, G replaced by A.
Protein change: p.Glu888Lys; replaces glutamic acid 888 with lysine.
Molecular consequence: missense variant. On other transcripts: non-coding transcript variant (1).
Genome position (GRCh38, 1-based): chr16:16,175,915, C>T on the plus strand (G>A on the coding strand, the complement: ABCC6 is on the minus strand). VCF-style: chr16-16175915-C-T. GRCh37 (hg19) VCF-style: chr16-16269772-C-T.
Other names: c.2320G>A, p.Glu774Lys (NM_001351800.1); short protein forms E888K, E774K.
Identifiers: ClinVar variation 2157136 (VCV002157136.3), dbSNP rs115167678, ClinGen allele CA7925838.
Genomic context (GRCh38, chr16:16,175,915, plus strand): 5'-CAGCTACTTCAGCTTCAGCCTGTGCCCTTCTGAGTGTGGCACCATGGTGGACTCACCTCT[C>T]GCGTCTAAGCTCGGGCCTCCTGCCTGCAGAGGTGCCTCTGGGGTCCTTGGTGCTGGTCCC-3'
Protein context (NP_001162.5, residues 878-898): SAGRRPELRR[Glu888Lys]RSIKSVPEKD